The following is an entry in ClinVar:

ClinVar aggregate classification (germline): Pathogenic/Likely pathogenic. Review status: criteria provided, multiple submitters, no conflicts (2 of 4 stars). 5 submissions from 5 submitters: Pathogenic (3); Likely pathogenic (2). Last evaluated 2024-03-19.

Conditions:
Morquio syndrome. Also called: Eccentrochondrodysplasia; Mucopolysaccharidosis, Type IV; MPS IV; Mucopolysaccharidosis type 4. Identifiers: Orphanet 582, MedGen C0026707, MONDO:0018938.
Mucopolysaccharidosis, MPS-IV-A (MPS4A). Also called: Morquio syndrome A, mild; MORQUIO SYNDROME A; Mucopolysaccharidosis type IV A; Mucopolysaccharidosis Type IVA; GALACTOSAMINE-6-SULFATASE DEFICIENCY; GALNS DEFICIENCY. Identifiers: Orphanet 309297, Orphanet 582, MedGen C0086651, MONDO:0009659, OMIM 253000.

Allele frequency attached by ClinVar (database versions not stated): gnomAD exomes below 0.00001; TOPMed below 0.00001; ExAC 0.00001; gnomAD 0.00001.

Submissions (5):

Fulgent Genetics
Classification: Pathogenic for Mucopolysaccharidosis, MPS-IV-A. Last evaluated: 2024-03-19. Review status: criteria provided, single submitter. Criteria: ACMG Guidelines, 2015. Collection method: clinical testing. Allele origin: germline.

Women's Health and Genetics/Laboratory Corporation of America, LabCorp
Classification: Pathogenic for Morquio syndrome. Last evaluated: 2024-03-19. Review status: criteria provided, single submitter. Criteria: LabCorp Variant Classification Summary - May 2015. Collection method: clinical testing. Allele origin: germline.
Comment: Variant summary: GALNS c.602G>A (p.Gly201Glu) results in a non-conservative amino acid change located in the Sulfatase, N-terminal domain (IPR000917) of the encoded protein sequence. Four of five in-silico tools predict a damaging effect of the variant on protein function. The variant allele was found at a frequency of 4e-06 in 250664 control chromosomes. c.602G>A has been reported in the literature in multiple homozygous individuals affected with Mucopolysaccharidosis Type IVA (Morquio Syndrome A) (e.g. Morrone_2014). These data indicate that the variant is very likely to be associated with disease. One publication also reports low GALNS enzyme activity in homozygous patients (e.g. Morrone_2014). The following publication has been ascertained in the context of this evaluation (PMID: 24726177). ClinVar contains an entry for this variant (Variation ID: 1021451). Based on the evidence outlined above, the variant was classified as pathogenic.

Genome-Nilou Lab
Classification: Likely pathogenic for Mucopolysaccharidosis, MPS-IV-A. Last evaluated: 2021-11-07. Review status: criteria provided, single submitter. Criteria: ACMG Guidelines, 2015. Collection method: clinical testing. Allele origin: germline. Affected: no.

Labcorp Genetics (formerly Invitae), Labcorp
Classification: Likely pathogenic for Mucopolysaccharidosis, MPS-IV-A. Last evaluated: 2021-04-08. Review status: criteria provided, single submitter. Criteria: Invitae Variant Classification Sherloc (09022015). Collection method: clinical testing. Allele origin: germline.
Comment: This variant has been observed in individual(s) with mucopolysaccharidosis type IVA (PMID: 24726177). In summary, the currently available evidence indicates that the variant is pathogenic, but additional data are needed to prove that conclusively. Therefore, this variant has been classified as Likely Pathogenic. Advanced modeling of protein sequence and biophysical properties (such as structural, functional, and spatial information, amino acid conservation, physicochemical variation, residue mobility, and thermodynamic stability) performed at Invitae indicates that this missense variant is expected to disrupt GALNS protein function. This variant is present in population databases (rs772413313, ExAC 0.002%). This sequence change replaces glycine with glutamic acid at codon 201 of the GALNS protein (p.Gly201Glu). The glycine residue is moderately conserved and there is a moderate physicochemical difference between glycine and glutamic acid.

Laboratory of Diagnosis and Therapy of Lysosomal Disorders, University of Padova
Classification: Pathogenic for Mucopolysaccharidosis, MPS-IV-A. Last evaluated: 2021-02-01. Review status: criteria provided, single submitter. Criteria: ACMG Guidelines, 2015. Collection method: research. Allele origin: germline. Affected: yes.
Comment: In vivo functional studies supportive of a damaging effect on the gene product (low to null enzymatic activity in homozygotes; PS3_strong); the prevalence of the variant in affected individuals is significantly increased compared with the prevalence in controls (PS4_strong); very low frequency in gnomAD v2.1.1 (PM2_moderate); multiple lines of computational evidence support a deleterious effect on the gene (PP3_supporting)

Literature cited by the submitters: PubMed 24726177 (cited by 3 submitters); PubMed 34387910 (cited by Laboratory of Diagnosis and Therapy of Lysosomal Disorders, University of Padova).

NM_000512.5(GALNS):c.602G>A (p.Gly201Glu)

Gene: GALNS (galactosamine (N-acetyl)-6-sulfatase; minus strand). Cytogenetic location: 16q24.3.
Variant type: single nucleotide variant.
Coding change: c.602G>A on transcript NM_000512.5 (MANE Select); coding-DNA position 602, G replaced by A.
Protein change: p.Gly201Glu; replaces glycine 201 with glutamic acid.
Molecular consequence: missense variant.
Genome position (GRCh38, 1-based): chr16:88,836,232, C>T on the plus strand (G>A on the coding strand, the complement: GALNS is on the minus strand). VCF-style: chr16-88836232-C-T. GRCh37 (hg19) VCF-style: chr16-88902640-C-T.
Other names: c.47G>A, p.Gly16Glu (NM_001323543.2); c.620G>A, p.Gly207Glu (NM_001323544.2); short protein forms G16E, G201E, G207E.
Identifiers: ClinVar variation 1021451 (VCV001021451.20), dbSNP rs772413313, ClinGen allele CA8235080.